The following is an entry in ClinVar:

NM_002439.5(MSH3):c.2889C>G (p.Ile963Met)

Gene: MSH3 (mutS homolog 3; plus strand). Cytogenetic location: 5q14.1.
Variant type: single nucleotide variant.
Coding change: c.2889C>G on transcript NM_002439.5 (MANE Select); coding-DNA position 2889, C replaced by G.
Protein change: p.Ile963Met; replaces isoleucine 963 with methionine.
Molecular consequence: missense variant.
Genome position (GRCh38, 1-based): chr5:80,854,205, C>G. VCF-style: chr5-80854205-C-G. GRCh37 (hg19) VCF-style: chr5-80150024-C-G.
Other names: short protein forms I963M.
Identifiers: ClinVar variation 821937 (VCV000821937.6), dbSNP rs548589845, ClinGen allele CA360275625.

ClinVar aggregate classification (germline): Uncertain significance. Review status: criteria provided, multiple submitters, no conflicts (2 of 4 stars). 2 submissions from 2 submitters: Uncertain significance (2). Last evaluated 2026-02-02.

Conditions:
Hereditary cancer-predisposing syndrome. Also called: Tumor predisposition; Hereditary Cancer Syndrome; Neoplastic Syndromes, Hereditary; Hereditary neoplastic syndrome. Identifiers: Orphanet 140162, MedGen C0027672, MeSH D009386, MONDO:0015356.

Submissions (2):

Labcorp Genetics (formerly Invitae), Labcorp
Classification: Uncertain significance. Last evaluated: 2026-02-02. Review status: criteria provided, single submitter. Criteria: Invitae Variant Classification Sherloc (09022015). Collection method: clinical testing. Allele origin: germline.
Comment: This sequence change replaces isoleucine, which is neutral and non-polar, with methionine, which is neutral and non-polar, at codon 963 of the MSH3 protein (p.Ile963Met). This variant is not present in population databases (gnomAD no frequency). This variant has not been reported in the literature in individuals affected with MSH3-related conditions. ClinVar contains an entry for this variant (Variation ID: 821937). An algorithm developed to predict the effect of missense changes on protein structure and function (PolyPhen-2) suggests that this variant is likely to be tolerated. In summary, the available evidence is currently insufficient to determine the role of this variant in disease. Therefore, it has been classified as a Variant of Uncertain Significance.

Ambry Genetics
Classification: Uncertain significance for Hereditary cancer-predisposing syndrome. Last evaluated: 2019-03-28. Review status: criteria provided, single submitter. Criteria: Ambry Variant Classification Scheme 2023. Collection method: clinical testing. Allele origin: germline.
Comment: The p.I963M variant (also known as c.2889C>G), located in coding exon 21 of the MSH3 gene, results from a C to G substitution at nucleotide position 2889. The isoleucine at codon 963 is replaced by methionine, an amino acid with highly similar properties. This amino acid position is well conserved in available vertebrate species. In addition, this alteration is predicted to be tolerated by in silico analysis. Since supporting evidence is limited at this time, the clinical significance of this alteration remains unclear.